The following is an entry in ClinVar:

ClinVar aggregate classification (germline): Uncertain significance (1 of 4 stars; one submission).

Conditions:
Developmental delay with variable intellectual impairment and behavioral abnormalities. Identifiers: MedGen C5193092, MONDO:0032745, OMIM 618430.

gnomAD v4.1: 4 of 1,614,152 alleles (0.00025%); highest among the groups gnomAD compares: South Asian, 0.0044%; no homozygotes.

Submission:

Neuberg Centre For Genomic Medicine, NCGM
Classification: Uncertain significance for Developmental delay with variable intellectual impairment and behavioral abnormalities. Last evaluated: 2023-05-20. Review status: criteria provided, single submitter. Criteria: ACMG Guidelines, 2015. Collection method: clinical testing. Allele origin: germline. Inheritance: Autosomal dominant inheritance. Affected: yes.
Comment: The missense variant in c.1621A>G (p.Asn541Asp) in CACNA1E gene has not been reported previously as a pathogenic variant nor as a benign variant, to our knowledge. This variant is present with an allele frequency of 0.0004% in gnomAD Exomes database. This variant has not been reported to the ClinVar database. Multiple lines of computational evidence (Polyphen - probably damaging, SIFT - damaging, and MutationTaster - disease causing) predict a damaging effect on protein structure and function for this variant. The amino acid change p.Pro1392Leu in TCF20 is predicted as conserved by GERP++ and PhyloP across 100 vertebrates. The amino acid Pro at position 1392 is changed to a Leu changing protein sequence and it might alter its composition and physico-chemical properties. For these reasons, this variant has been classified as Variant of Uncertain Significance (VUS).

NM_001378418.1(TCF20):c.4175C>T (p.Pro1392Leu)

Gene: TCF20 (transcription factor 20; minus strand). Cytogenetic location: 22q13.2.
Variant type: single nucleotide variant.
Coding change: c.4175C>T on transcript NM_001378418.1 (MANE Select); coding-DNA position 4175, C replaced by T.
Protein change: p.Pro1392Leu; replaces proline 1392 with leucine.
Molecular consequence: missense variant.
Genome position (GRCh38, 1-based): chr22:42,211,131, G>A on the plus strand (C>T on the coding strand, the complement: TCF20 is on the minus strand). VCF-style: chr22-42211131-G-A. GRCh37 (hg19) VCF-style: chr22-42607137-G-A.
Other names: c.4175C>T, p.Pro1392Leu (NM_005650.4, NM_181492.3); short protein forms P1392L.
Identifiers: ClinVar variation 3341461 (VCV003341461.1).